The following is an entry in ClinVar:

ClinVar aggregate classification (germline): Likely benign. Review status: criteria provided, multiple submitters, no conflicts (2 of 4 stars). 4 submissions from 4 submitters: Likely benign (3). 1 of the submissions does not count toward it. Last evaluated 2025-05-05.

Conditions:
GATA2-related disorder. Also called: GATA2-related condition; GATA2-Related Disorders.
Deafness-lymphedema-leukemia syndrome. Also called: Lymphedema, primary, with myelodysplasia; Emberger syndrome. Identifiers: Orphanet 3226, MedGen C3279664, MONDO:0013540, OMIM 614038.
Monocytopenia with susceptibility to infections. Also called: IMMUNODEFICIENCY 21; MONOCYTOPENIA AND MYCOBACTERIAL INFECTION SYNDROME; MONOCYTOPENIA WITH SUSCEPTIBILITY TO MYCOBACTERIAL, FUNGAL, AND PAPILLOMAVIRUS INFECTIONS AND MYELODYSPLASIA; COMBINED IMMUNODEFICIENCY WITH SUSCEPTIBILITY TO MYCOBACTERIAL, VIRAL, AND FUNGAL INFECTIONS; Dendritic cell, monocyte, B lymphocyte, and natural killer lymphocyte deficiency; GATA2 DEFICIENCY. Identifiers: Orphanet 228423, MedGen C3280030, MONDO:0013607, OMIM 614172.

Allele frequency attached by ClinVar (database versions not stated): ExAC 0.00001; gnomAD 0.00002; gnomAD exomes 0.00002; TOPMed 0.00002.
gnomAD v4.1: 27 of 1,613,992 alleles (0.0017%); highest among the groups gnomAD compares: East Asian, 0.0045%; no homozygotes.

Submissions (4):

Labcorp Genetics (formerly Invitae), Labcorp
Classification: Likely benign for Monocytopenia with susceptibility to infections; Deafness-lymphedema-leukemia syndrome. Last evaluated: 2025-05-05. Review status: criteria provided, single submitter. Criteria: Invitae Variant Classification Sherloc (09022015). Collection method: clinical testing. Allele origin: germline.

Blueprint Genetics
Classification: Likely benign. Last evaluated: 2024-02-21. Review status: criteria provided, single submitter. Criteria: ACMG Guidelines, 2015. Collection method: clinical testing. Allele origin: germline.

Mendelics
Classification: Likely benign for Deafness-lymphedema-leukemia syndrome. Last evaluated: 2019-05-28. Review status: criteria provided, single submitter. Criteria: Mendelics Assertion Criteria 2017. Collection method: clinical testing. Allele origin: unknown.

PreventionGenetics, part of Exact Sciences
Classification: Likely benign for GATA2-related condition. Last evaluated: 2021-07-26. Review status: no assertion criteria provided. Collection method: clinical testing. Allele origin: germline. Not counted in ClinVar's aggregate classification.
Comment: This variant is classified as likely benign based on ACMG/AMP sequence variant interpretation guidelines (Richards et al. 2015 PMID: 25741868, with internal and published modifications).

NM_032638.5(GATA2):c.1017+8C>T

Gene: GATA2 (GATA binding protein 2; minus strand). Cytogenetic location: 3q21.3.
Variant type: single nucleotide variant.
Coding change: c.1017+8C>T on transcript NM_032638.5 (MANE Select); 8 bases into the intron after coding-DNA position 1017, C replaced by T.
Molecular consequence: intron variant.
Genome position (GRCh38, 1-based): chr3:128,483,852, G>A on the plus strand (C>T on the coding strand, the complement: GATA2 is on the minus strand). VCF-style: chr3-128483852-G-A. GRCh37 (hg19) VCF-style: chr3-128202695-G-A.
Other names: c.1017+8C>T (NM_001145662.1, NM_001145661.2, NM_001145661.1).
Identifiers: ClinVar variation 241713 (VCV000241713.15), dbSNP rs200848213, ClinGen allele CA2599908.